The following is an entry in ClinVar:

ClinVar aggregate classification (germline): Uncertain significance (1 of 4 stars; one submission).

Submission:

Labcorp Genetics (formerly Invitae), Labcorp
Classification: Uncertain significance. Last evaluated: 2024-10-17. Review status: criteria provided, single submitter. Criteria: Invitae Variant Classification Sherloc (09022015). Collection method: clinical testing. Allele origin: germline.
Comment: This sequence change replaces valine, which is neutral and non-polar, with phenylalanine, which is neutral and non-polar, at codon 564 of the RIN2 protein (p.Val564Phe). This variant is not present in population databases (gnomAD no frequency). This variant has not been reported in the literature in individuals affected with RIN2-related conditions. Experimental studies and prediction algorithms are not available or were not evaluated, and the functional significance of this variant is currently unknown. In summary, the available evidence is currently insufficient to determine the role of this variant in disease. Therefore, it has been classified as a Variant of Uncertain Significance.

NM_018993.4(RIN2):c.1690G>T (p.Val564Phe)

Gene: RIN2 (Ras and Rab interactor 2; plus strand). Cytogenetic location: 20p11.23.
Variant type: single nucleotide variant.
Coding change: c.1690G>T on transcript NM_018993.4 (MANE Select); coding-DNA position 1690, G replaced by T.
Protein change: p.Val564Phe; replaces valine 564 with phenylalanine.
Molecular consequence: missense variant.
Genome position (GRCh38, 1-based): chr20:19,975,715, G>T. VCF-style: chr20-19975715-G-T. GRCh37 (hg19) VCF-style: chr20-19956359-G-T.
Other names: c.1837G>T, p.Val613Phe (NM_001242581.2); c.1072G>T, p.Val358Phe (NM_001378238.1); short protein forms V564F, V358F, V613F.
Identifiers: ClinVar variation 2827304 (VCV002827304.3), dbSNP rs2515519000, ClinGen allele CA408363532.